The following is an entry in ClinVar:

NM_001040458.3(ERAP1):c.1189-10A>G

Gene: ERAP1 (endoplasmic reticulum aminopeptidase 1; minus strand). Cytogenetic location: 5q15.
Variant type: single nucleotide variant.
Coding change: c.1189-10A>G on transcript NM_001040458.3 (MANE Select); 10 bases into the intron before coding-DNA position 1189, A replaced by G.
Molecular consequence: intron variant.
Genome position (GRCh38, 1-based): chr5:96,792,202, T>C on the plus strand (A>G on the coding strand, the complement: ERAP1 is on the minus strand). VCF-style: chr5-96792202-T-C. GRCh37 (hg19) VCF-style: chr5-96127905-T-C.
Other names: c.1189-10A>G (NM_001349244.2, NM_016442.5, NM_001198541.3).
Identifiers: ClinVar variation 2688537 (VCV002688537.2), dbSNP rs27640, ClinGen allele CA3352336.

ClinVar aggregate classification (germline): Benign (1 of 4 stars; one submission).

Allele frequency attached by ClinVar (database versions not stated): 1000 Genomes Project 30x 0.65006; 1000 Genomes Project 0.65076; TOPMed 0.69888; ESP Exome Variant Server 0.72021; ExAC 0.72027; gnomAD exomes 0.76316.
gnomAD v4.1: 1,219,753 of 1,610,884 alleles (76%); highest among the groups gnomAD compares: Non-Finnish European, 79%; 465,927 homozygotes.

Submission:

Unidad de Genómica Garrahan, Hospital de Pediatría Garrahan
Classification: Benign. Last evaluated: 2024-01-24. Review status: criteria provided, single submitter. Criteria: ACMG Guidelines, 2015. Collection method: clinical testing. Allele origin: germline. Affected: no. Observed: 76 variant alleles.
Comment: This variant is classified as Benign based on local population frequency. This variant was detected in 86% of patients studied by a panel of primary immunodeficiencies. Number of patients: 76. Only high quality variants are reported.